The following is an entry in ClinVar:

NM_016247.4(IMPG2):c.*1282C>T

Gene: IMPG2 (interphotoreceptor matrix proteoglycan 2; minus strand). Cytogenetic location: 3q12.3.
Variant type: single nucleotide variant.
Coding change: c.*1282C>T on transcript NM_016247.4 (MANE Select); 1282 bases downstream of the stop codon, C replaced by T.
Molecular consequence: 3 prime UTR variant.
Genome position (GRCh38, 1-based): chr3:101,225,687, G>A on the plus strand (C>T on the coding strand, the complement: IMPG2 is on the minus strand). VCF-style: chr3-101225687-G-A. GRCh37 (hg19) VCF-style: chr3-100944531-G-A.
Identifiers: ClinVar variation 342307 (VCV000342307.5), dbSNP rs116405398, ClinGen allele CA10614786.
Genomic context (GRCh38, chr3:101,225,687, plus strand): 5'-ATACTGGTTATTTATATCTGGTCAGAAATAAATCAAAATGTTCAGAATTGGTTTTGGCAA[G>A]CATGAAGACATCTAGCATAAAGTATCTGCATTAATAATAACCTATTGCATATGCAATTTA-3'

ClinVar aggregate classification (germline): Likely benign (1 of 4 stars; one submission).

Conditions:
Retinitis pigmentosa (RP). Identifiers: Orphanet 791, MedGen C0035334, MeSH D012174, MONDO:0019200, OMIM 268000. Inheritance: Autosomal dominant, autosomal recessive and X linked inheritance.

Allele frequency attached by ClinVar (database versions not stated): 1000 Genomes Project 0.01478; 1000 Genomes Project 30x 0.01530; gnomAD 0.01677 and 0.01799; TOPMed 0.01949.

Submission:

Illumina Laboratory Services, Illumina
Classification: Likely benign for Retinitis pigmentosa. Last evaluated: 2018-01-13. Review status: criteria provided, single submitter. Criteria: ICSL Variant Classification Criteria 13 December 2019. Collection method: clinical testing. Allele origin: germline.
Comment: This variant was observed in the ICSL laboratory as part of a predisposition screen in an ostensibly healthy population. It had not been previously curated by ICSL or reported in the Human Gene Mutation Database (HGMD: prior to June 1st, 2018), and was therefore a candidate for classification through an automated scoring system. Utilizing variant allele frequency, disease prevalence and penetrance estimates, and inheritance mode, an automated score was calculated to assess if this variant is too frequent to cause the disease. Based on the score and internal cut-off values, a variant classified as likely benign is not then subjected to further curation. The score for this variant resulted in a classification of likely benign for this disease.